The following is an entry in ClinVar:

GRCh38/hg38 17p12(chr17:14184601-15525587)x3

Genes: CDRT15 (CMT1A duplicated region transcript 15; minus strand), CDRT3 (CMT1A duplicated region transcript 3; minus strand), CDRT4 (CMT1A duplicated region transcript 4; minus strand), CDRT7 (CMT1A duplicated region transcript 7; plus strand), CDRT8 (CMT1A duplicated region transcript 8; minus strand) and 22 more. Cytogenetic location: 17p12.
Variant type: copy number gain.
Change: copy number 3 (three copies instead of two) of chr17:14,184,601-15,525,587 (1.34 Mb, GRCh38 coordinates, 1-based), cytogenetic band 17p12.
Identifiers: ClinVar variation 4796093 (VCV004796093.1).

ClinVar aggregate classification (germline): Pathogenic (1 of 4 stars; one submission).

Submission:

Medical Genetic Center, Changzhi Maternal and Child Health Care Hospital
Classification: Pathogenic. Last evaluated: 2025-12-10. Review status: criteria provided, single submitter. Criteria: ACMG/ClinGen CNV Guidelines, 2019. Collection method: clinical testing. Allele origin: unknown.
Comment: 2A:17p12 recurrent (HNPP/CMT1A) region (includes PMP22)